The following is an entry in ClinVar:

ClinVar aggregate classification (germline): Conflicting classifications of pathogenicity. Review status: criteria provided, conflicting classifications (1 of 4 stars). 3 submissions from 3 submitters: Uncertain significance (1); Benign (2). Last evaluated 2026-06-01.

Conditions:
Inborn genetic diseases. Identifiers: MedGen C0950123, MeSH D030342.
Torsion dystonia 6 (DYT6). Also called: DYT-THAP1. Identifiers: Orphanet 98806, MedGen C1414216, MONDO:0011264, OMIM 602629.

Allele frequency attached by ClinVar (database versions not stated): gnomAD 0.00013 and 0.00015; gnomAD exomes 0.00015 and 0.00077; TOPMed 0.00025; ExAC 0.00079.
gnomAD v4.1: 238 of 1,613,654 alleles (0.015%); highest among the groups gnomAD compares: Admixed American, 0.37%; no homozygotes.

Submissions (3):

CeGaT Center for Human Genetics Tuebingen
Classification: Benign. Last evaluated: 2026-06-01. Review status: criteria provided, single submitter. Criteria: CeGaT Center For Human Genetics Tuebingen Variant Classification Criteria Version 2. Collection method: clinical testing. Allele origin: germline. Affected: yes. Observed: 1 variant allele.
Comment: THAP1: BS1, BS2

Labcorp Genetics (formerly Invitae), Labcorp
Classification: Benign for Torsion dystonia 6. Last evaluated: 2026-01-08. Review status: criteria provided, single submitter. Criteria: Invitae Variant Classification Sherloc (09022015). Collection method: clinical testing. Allele origin: germline.

Ambry Genetics
Classification: Uncertain significance for Inborn genetic diseases. Last evaluated: 2023-09-20. Review status: criteria provided, single submitter. Criteria: Ambry Variant Classification Scheme 2023. Collection method: clinical testing. Allele origin: germline.

NM_018105.3(THAP1):c.577G>A (p.Val193Ile)

Gene: THAP1 (THAP domain containing 1; minus strand). Cytogenetic location: 8p11.21.
Variant type: single nucleotide variant.
Coding change: c.577G>A on transcript NM_018105.3 (MANE Select); coding-DNA position 577, G replaced by A.
Protein change: p.Val193Ile; replaces valine 193 with isoleucine.
Molecular consequence: missense variant. On other transcripts: 3 prime UTR variant (1).
Genome position (GRCh38, 1-based): chr8:42,838,027, C>T on the plus strand (G>A on the coding strand, the complement: THAP1 is on the minus strand). VCF-style: chr8-42838027-C-T. GRCh37 (hg19) VCF-style: chr8-42693170-C-T.
Other names: c.*219G>A (NM_199003.2); short protein forms V193I.
Identifiers: ClinVar variation 463445 (VCV000463445.11), dbSNP rs756694303, ClinGen allele CA4734519.